The following is an entry in ClinVar:

NM_000742.4(CHRNA2):c.178G>T (p.Asp60Tyr)

Gene: CHRNA2 (cholinergic receptor nicotinic alpha 2 subunit; minus strand). Cytogenetic location: 8p21.2.
Variant type: single nucleotide variant.
Coding change: c.178G>T on transcript NM_000742.4 (MANE Select); coding-DNA position 178, G replaced by T.
Protein change: p.Asp60Tyr; replaces aspartic acid 60 with tyrosine.
Molecular consequence: missense variant. On other transcripts: 5 prime UTR variant (4).
Genome position (GRCh38, 1-based): chr8:27,469,877, C>A on the plus strand (G>T on the coding strand, the complement: CHRNA2 is on the minus strand). VCF-style: chr8-27469877-C-A. GRCh37 (hg19) VCF-style: chr8-27327394-C-A.
Other names: c.178G>T, p.Asp60Tyr (NM_001282455.2); c.-250G>T (NM_001347705.2); c.-295G>T (NM_001347706.2); c.-236G>T (NM_001347707.2); c.-284G>T (NM_001347708.2); short protein forms D60Y.
Identifiers: ClinVar variation 1051595 (VCV001051595.5), dbSNP rs759538013, ClinGen allele CA4689773.

ClinVar aggregate classification (germline): Uncertain significance (1 of 4 stars; one submission).

Conditions:
Familial sleep-related hypermotor epilepsy. Also called: Autosomal Dominant Sleep-Related Hypermotor (Hyperkinetic) Epilepsy. Identifiers: Orphanet 98784, MedGen C3696898, MONDO:0000030.

Allele frequency attached by ClinVar (database versions not stated): gnomAD exomes below 0.00001; TOPMed below 0.00001; ExAC 0.00001.
gnomAD v4.1: 1 of 1,614,190 alleles (0.000062%); highest among the groups gnomAD compares: Admixed American, 0.0017%; no homozygotes.

Submission:

Labcorp Genetics (formerly Invitae), Labcorp
Classification: Uncertain significance. Last evaluated: 2024-10-22. Review status: criteria provided, single submitter. Criteria: Invitae Variant Classification Sherloc (09022015). Collection method: clinical testing. Allele origin: germline.
Comment: This sequence change replaces aspartic acid, which is acidic and polar, with tyrosine, which is neutral and polar, at codon 60 of the CHRNA2 protein (p.Asp60Tyr). This variant is present in population databases (rs759538013, gnomAD 0.003%). This variant has not been reported in the literature in individuals affected with CHRNA2-related conditions. ClinVar contains an entry for this variant (Variation ID: 1051595). Invitae Evidence Modeling of protein sequence and biophysical properties (such as structural, functional, and spatial information, amino acid conservation, physicochemical variation, residue mobility, and thermodynamic stability) indicates that this missense variant is not expected to disrupt CHRNA2 protein function with a negative predictive value of 80%. In summary, the available evidence is currently insufficient to determine the role of this variant in disease. Therefore, it has been classified as a Variant of Uncertain Significance.